The following is an entry in ClinVar:

NM_003859.3(DPM1):c.166A>G (p.Ile56Val)

Gene: DPM1 (dolichyl-phosphate mannosyltransferase subunit 1, catalytic; minus strand). Cytogenetic location: 20q13.13.
Variant type: single nucleotide variant.
Coding change: c.166A>G on transcript NM_003859.3 (MANE Select); coding-DNA position 166, A replaced by G.
Protein change: p.Ile56Val; replaces isoleucine 56 with valine.
Molecular consequence: missense variant. On other transcripts: non-coding transcript variant (1).
Genome position (GRCh38, 1-based): chr20:50,955,281, T>C on the plus strand (A>G on the coding strand, the complement: DPM1 is on the minus strand). VCF-style: chr20-50955281-T-C. GRCh37 (hg19) VCF-style: chr20-49571818-T-C.
Other names: c.166A>G, p.Ile56Val (NM_001317034.1, NM_001317035.1, NM_001317036.1); short protein forms I56V.
Identifiers: ClinVar variation 3504904 (VCV003504904.2).
Genomic context (GRCh38, chr20:50,955,281, plus strand): 5'-CAGCAACATCCCTTGTTCCATCTGGGCTTCCATCATCTATGATTATAATTTCATAGTTGA[T>C]TCCACTAAAAAAATTAAATTTGTATTAATGACTGATGACAGTGTTCTCAAATTTAAAAGT-3'
Protein context (NP_003850.1, residues 46-66): LLVKSFSESG[Ile56Val]NYEIIIIDDG

ClinVar aggregate classification (germline): Uncertain significance. Review status: criteria provided, multiple submitters, no conflicts (2 of 4 stars). 2 submissions from 2 submitters: Uncertain significance (2). Last evaluated 2025-03-19.

Conditions:
Inborn genetic diseases. Identifiers: MedGen C0950123, MeSH D030342.

gnomAD v4.1: 9 of 1,610,190 alleles (0.00056%); highest among the groups gnomAD compares: East Asian, 0.0022%; no homozygotes.

Submissions (2):

GeneDx
Classification: Uncertain significance. Last evaluated: 2025-03-19. Review status: criteria provided, single submitter. Criteria: GeneDx Variant Classification Process June 2021. Collection method: clinical testing. Allele origin: germline. Affected: yes.
Comment: Not observed at significant frequency in large population cohorts (gnomAD); In silico analysis indicates that this missense variant does not alter protein structure/function; Has not been previously published as pathogenic or benign to our knowledge

Ambry Genetics
Classification: Uncertain significance for Inborn genetic diseases. Last evaluated: 2024-07-30. Review status: criteria provided, single submitter. Criteria: Ambry Variant Classification Scheme 2023. Collection method: clinical testing. Allele origin: germline.